The following is an entry in ClinVar:

ClinVar aggregate classification (germline): Likely pathogenic (1 of 4 stars; one submission).

Conditions:
Common craniosynostosis syndromes.

Submission:

Genetics Laboratory, Great Ormond Street Hospital NHS Foundation Trust, North Thames Genomic Laboratory Hub
Classification: Likely pathogenic for Common craniosynostosis syndromes. Last evaluated: 2026-06-12. Review status: criteria provided, single submitter. Criteria: ACGS Best Practice Guidelines for Variant Classification in Rare Disease 2024 v1.2. Collection method: clinical testing. Allele origin: germline. Affected: yes.
Comment: PM2_moderate, PVS1_strong

NM_207037.2(TCF12):c.1869del (p.Glu623fs)

Gene: TCF12 (transcription factor 12; plus strand). Cytogenetic location: 15q21.3.
Variant type: Deletion.
Coding change: c.1869del on transcript NM_207037.2 (MANE Select); coding-DNA position 1869, one base deleted (G; older notation c.1869delG).
Protein change: p.Glu623fs; shifts the reading frame from glutamic acid 623.
Molecular consequence: frameshift variant.
Genome position (GRCh38, 1-based): chr15:57,273,153, G deleted. VCF-style (leftmost placement, unchanged base first): chr15-57273152-AG-A. GRCh37 (hg19) VCF-style: chr15-57565350-AG-A.
Other names: c.1359del, p.Glu453fs (NM_001306219.3); c.1089del, p.Glu363fs (NM_001306220.3); c.1869del, p.Glu623fs (NM_001322151.2, NM_001322159.3, NM_001322162.2 and 1 more transcripts); c.1866del, p.Glu622fs (NM_001322152.2, NM_001322161.2); c.1212del, p.Glu404fs (NM_001322154.2); c.1695del, p.Glu565fs (NM_001322156.2); c.1797del, p.Glu599fs (NM_001322157.3, NM_001322165.2, NM_003205.4 and 1 more transcripts); c.1623del, p.Glu541fs (NM_001322158.2); and 2 more; short protein forms E363fs, E404fs, E429fs, E453fs, E541fs, E565fs, E599fs, E611fs.
Identifiers: ClinVar variation 4884342 (VCV004884342.1).